The following is an entry in ClinVar:

ClinVar aggregate classification (germline): Uncertain significance (1 of 4 stars; one submission).

Allele frequency attached by ClinVar (database versions not stated): gnomAD exomes 0.00001 and 0.00003; ExAC 0.00002.
gnomAD v4.1: 14 of 1,613,514 alleles (0.00087%); highest among the groups gnomAD compares: Admixed American, 0.013%; no homozygotes.

Submission:

Labcorp Genetics (formerly Invitae), Labcorp
Classification: Uncertain significance. Last evaluated: 2025-09-25. Review status: criteria provided, single submitter. Criteria: Invitae Variant Classification Sherloc (09022015). Collection method: clinical testing. Allele origin: germline.
Comment: This sequence change replaces serine, which is neutral and polar, with alanine, which is neutral and non-polar, at codon 131 of the IL12RB2 protein (p.Ser131Ala). This variant is present in population databases (rs746086306, gnomAD 0.01%). This variant has not been reported in the literature in individuals affected with IL12RB2-related conditions. ClinVar contains an entry for this variant (Variation ID: 1468941). An algorithm developed to predict the effect of missense changes on protein structure and function (PolyPhen-2) suggests that this variant is likely to be disruptive. In summary, the available evidence is currently insufficient to determine the role of this variant in disease. Therefore, it has been classified as a Variant of Uncertain Significance.

NM_001374259.2(IL12RB2):c.391T>G (p.Ser131Ala)

Gene: IL12RB2 (interleukin 12 receptor subunit beta 2; plus strand). Cytogenetic location: 1p31.3.
Variant type: single nucleotide variant.
Coding change: c.391T>G on transcript NM_001374259.2 (MANE Select); coding-DNA position 391, T replaced by G.
Protein change: p.Ser131Ala; replaces serine 131 with alanine.
Molecular consequence: missense variant. On other transcripts: non-coding transcript variant (2).
Genome position (GRCh38, 1-based): chr1:67,326,761, T>G. VCF-style: chr1-67326761-T-G. GRCh37 (hg19) VCF-style: chr1-67792444-T-G.
Other names: c.391T>G, p.Ser131Ala (NM_001258214.1, NM_001258215.1, NM_001258216.1 and 2 more transcripts); short protein forms S131A.
Identifiers: ClinVar variation 1468941 (VCV001468941.6), dbSNP rs746086306, ClinGen allele CA900180.